The following is an entry in ClinVar:

NM_000535.7(PMS2):c.2560G>T (p.Ala854Ser)

Gene: PMS2 (PMS1 homolog 2, mismatch repair system component; minus strand). Cytogenetic location: 7p22.1.
Variant type: single nucleotide variant.
Coding change: c.2560G>T on transcript NM_000535.7 (MANE Select); coding-DNA position 2560, G replaced by T.
Protein change: p.Ala854Ser; replaces alanine 854 with serine.
Molecular consequence: missense variant. On other transcripts: non-coding transcript variant (1).
Genome position (GRCh38, 1-based): chr7:5,973,428, C>A on the plus strand (G>T on the coding strand, the complement: PMS2 is on the minus strand). VCF-style: chr7-5973428-C-A. GRCh37 (hg19) VCF-style: chr7-6013059-C-A.
Other names: c.2155G>T, p.Ala719Ser (NM_001322003.2, NM_001322004.2, NM_001322005.2); c.2404G>T, p.Ala802Ser (NM_001322006.2); c.2242G>T, p.Ala748Ser (NM_001322007.2, NM_001322008.2); c.2188G>T, p.Ala730Ser (NM_001322009.2); c.1999G>T, p.Ala667Ser (NM_001322010.2); c.1627G>T, p.Ala543Ser (NM_001322011.2, NM_001322012.2); c.1987G>T, p.Ala663Ser (NM_001322013.2); c.2593G>T, p.Ala865Ser (NM_001322014.2); and 1 more; short protein forms A854S, A667S, A730S, A748S, A543S, A751S, A865S, A802S.
Identifiers: ClinVar variation 568710 (VCV000568710.10), dbSNP rs574371474, ClinGen allele CA366734780.

ClinVar aggregate classification (germline): Uncertain significance. Review status: criteria provided, multiple submitters, no conflicts (2 of 4 stars). 3 submissions from 3 submitters: Uncertain significance (3). Last evaluated 2025-10-23.

Conditions:
Hereditary nonpolyposis colorectal neoplasms. Identifiers: MedGen C0009405, MeSH D003123.
Hereditary cancer-predisposing syndrome. Also called: Neoplastic Syndromes, Hereditary; Tumor predisposition; Hereditary neoplastic syndrome; Hereditary Cancer Syndrome. Identifiers: Orphanet 140162, MedGen C0027672, MeSH D009386, MONDO:0015356.

Submissions (3):

Labcorp Genetics (formerly Invitae), Labcorp
Classification: Uncertain significance for Hereditary nonpolyposis colorectal neoplasms. Last evaluated: 2025-10-23. Review status: criteria provided, single submitter. Criteria: Invitae Variant Classification Sherloc (09022015). Collection method: clinical testing. Allele origin: germline.
Comment: This sequence change replaces alanine, which is neutral and non-polar, with serine, which is neutral and polar, at codon 854 of the PMS2 protein (p.Ala854Ser). The frequency data for this variant in the population databases (gnomAD) is considered unreliable due to the presence of homologous sequence, such as pseudogenes or paralogs, in the genome. This variant has not been reported in the literature in individuals affected with PMS2-related conditions. ClinVar contains an entry for this variant (Variation ID: 568710). Invitae Evidence Modeling incorporating data from in vitro experimental studies (internal data) indicates that this missense variant is not expected to disrupt PMS2 function with a negative predictive value of 95%. In summary, the available evidence is currently insufficient to determine the role of this variant in disease. Therefore, it has been classified as a Variant of Uncertain Significance.

Color Diagnostics, LLC DBA Color Health
Classification: Uncertain significance for Hereditary cancer-predisposing syndrome. Last evaluated: 2025-09-04. Review status: criteria provided, single submitter. Criteria: ACMG Guidelines, 2015. Collection method: clinical testing. Allele origin: germline.
Comment: This missense variant replaces alanine with serine at codon 854 of the PMS2 protein. Computational prediction suggests that this variant may not impact protein structure and function. To our knowledge, functional studies have not been reported for this variant. This variant has not been reported in individuals affected with PMS2-related disorders in the literature. This variant has not been identified in the general population by the Genome Aggregation Database (gnomAD). The available evidence is insufficient to determine the role of this variant in disease conclusively. Therefore, this variant is classified as a Variant of Uncertain Significance.

Ambry Genetics
Classification: Uncertain significance for Hereditary cancer-predisposing syndrome. Last evaluated: 2024-05-28. Review status: criteria provided, single submitter. Criteria: Ambry Variant Classification Scheme 2023. Collection method: clinical testing. Allele origin: germline.
Comment: The p.A854S variant (also known as c.2560G>T), located in coding exon 15 of the PMS2 gene, results from a G to T substitution at nucleotide position 2560. The alanine at codon 854 is replaced by serine, an amino acid with similar properties. This amino acid position is well conserved in available vertebrate species. In addition, the in silico prediction for this alteration is inconclusive. Based on the available evidence, the clinical significance of this variant remains unclear.